The following is an entry in ClinVar:

NM_139278.4(LGI3):c.1496G>A (p.Arg499Gln)

Gene: LGI3 (leucine rich repeat LGI family member 3; minus strand). Cytogenetic location: 8p21.3.
Variant type: single nucleotide variant.
Coding change: c.1496G>A on transcript NM_139278.4 (MANE Select); coding-DNA position 1496, G replaced by A.
Protein change: p.Arg499Gln; replaces arginine 499 with glutamine.
Molecular consequence: missense variant.
Genome position (GRCh38, 1-based): chr8:22,148,311, C>T on the plus strand (G>A on the coding strand, the complement: LGI3 is on the minus strand). VCF-style: chr8-22148311-C-T. GRCh37 (hg19) VCF-style: chr8-22005824-C-T.
Other names: short protein forms R499Q.
Identifiers: ClinVar variation 2461304 (VCV002461304.3), dbSNP rs763897669, ClinGen allele CA4663307.

ClinVar aggregate classification (germline): Uncertain significance. Review status: criteria provided, multiple submitters, no conflicts (2 of 4 stars). 2 submissions from 2 submitters: Uncertain significance (2). Last evaluated 2023-07-12.

Allele frequency attached by ClinVar (database versions not stated): ExAC 0.00002; TOPMed 0.00002; gnomAD 0.00003.
gnomAD v4.1: 70 of 1,614,020 alleles (0.0043%); highest among the groups gnomAD compares: Non-Finnish European, 0.0057%; no homozygotes.

Submissions (2):

Greenwood Genetic Center Diagnostic Laboratories, Greenwood Genetic Center
Classification: Uncertain significance. Last evaluated: 2023-07-12. Review status: criteria provided, single submitter. Criteria: ACMG Guidelines, 2015. Collection method: clinical testing. Allele origin: germline. Affected: yes.
Comment: PM2

Ambry Genetics
Classification: Uncertain significance. Last evaluated: 2023-02-06. Review status: criteria provided, single submitter. Criteria: Ambry Variant Classification Scheme 2023. Collection method: clinical testing. Allele origin: germline.